The following is an entry in ClinVar:

NM_001005242.3(PKP2):c.1379-2018G>A

Gene: PKP2 (plakophilin 2; minus strand). Cytogenetic location: 12p11.21.
Variant type: single nucleotide variant.
Coding change: c.1379-2018G>A on transcript NM_001005242.3 (MANE Select); 2018 bases into the intron before coding-DNA position 1379, G replaced by A.
Molecular consequence: intron variant. On other transcripts: missense variant (1).
Genome position (GRCh38, 1-based): chr12:32,843,223, C>T on the plus strand (G>A on the coding strand, the complement: PKP2 is on the minus strand). VCF-style: chr12-32843223-C-T. GRCh37 (hg19) VCF-style: chr12-32996157-C-T.
Other names: c.1469G>A, p.Arg490Gln (NM_004572.4); short protein forms R490Q.
Identifiers: ClinVar variation 229143 (VCV000229143.27), dbSNP rs369518480, ClinGen allele CA028528.

ClinVar aggregate classification (germline): Conflicting classifications of pathogenicity. Review status: criteria provided, conflicting classifications (1 of 4 stars). 11 submissions from 11 submitters: Uncertain significance (10); Likely benign (1). Last evaluated 2026-03-12.

Conditions:
Cardiovascular phenotype. Identifiers: MedGen CN230736.
PKP2-related disorder. Also called: PKP2-related condition.
Arrhythmogenic right ventricular cardiomyopathy (ARVD). Also called: Arrhythmogenic right ventricular dysplasia; Arrhythmogenic cardiomyopathy; Arrhythmogenic Right Ventricular Cardiomyopathy (ARVC); Cardiomyopathy, ARVC. Identifiers: Orphanet 247, MedGen C0349788, MeSH D019571, MONDO:0016587. Disease mechanism: loss of function. Inheritance: Various modes of inheritance.
Cardiomyopathy (CMYO). Also called: Cardiomyopathies. Identifiers: Orphanet 167848, MedGen C0878544, MONDO:0004994, HP:0001638. Inheritance: Various modes of inheritance.
Arrhythmogenic right ventricular dysplasia 9 (ARVD9). Also called: Arrhythmogenic Right Ventricular Dysplasia/Cardiomyopathy 9; ARRHYTHMOGENIC RIGHT VENTRICULAR DYSPLASIA, FAMILIAL, 9. Identifiers: MedGen C1836906, MONDO:0012180, OMIM 609040.

Allele frequency attached by ClinVar (database versions not stated): gnomAD exomes 0.00006 and 0.00007; ESP Exome Variant Server 0.00008; TOPMed 0.00010; ExAC 0.00011; gnomAD 0.00013.
gnomAD v4.1: 61 of 707,352 alleles (0.0086%); highest among the groups gnomAD compares: African/African-American, 0.029%; no homozygotes.

Submissions (11):

PreventionGenetics, part of Exact Sciences
Classification: Uncertain significance for PKP2-related condition. Last evaluated: 2026-03-12. Review status: criteria provided, single submitter. Criteria: ACMG Guidelines, 2015. Collection method: clinical testing. Allele origin: germline.
Comment: The PKP2 c.1469G>A variant is predicted to result in the amino acid substitution p.Arg490Gln. This variant was reported as uncertain in a sudden unexplained death cohort; however, additional clinical or functional data was not provided to assess the pathogenicity of this variant (Lin et al. 2017. PubMed ID: 29247119). This variant is reported in 0.021% of alleles in individuals of African descent in gnomAD. Although we suspect that this variant may be benign, at this time, the clinical significance of this variant is uncertain due to the absence of conclusive functional and genetic evidence.

Labcorp Genetics (formerly Invitae), Labcorp
Classification: Uncertain significance for Arrhythmogenic right ventricular dysplasia 9. Last evaluated: 2026-01-19. Review status: criteria provided, single submitter. Criteria: Invitae Variant Classification Sherloc (09022015). Collection method: clinical testing. Allele origin: germline.
Comment: This sequence change replaces arginine, which is basic and polar, with glutamine, which is neutral and polar, at codon 490 of the PKP2 protein (p.Arg490Gln). This variant is present in population databases (rs369518480, gnomAD 0.02%). This missense change has been observed in individual(s) with sudden unexplained death (PMID: 29247119). ClinVar contains an entry for this variant (Variation ID: 229143). An algorithm developed to predict the effect of missense changes on protein structure and function (PolyPhen-2) suggests that this variant is likely to be tolerated. In summary, the available evidence is currently insufficient to determine the role of this variant in disease. Therefore, it has been classified as a Variant of Uncertain Significance.

Women's Health and Genetics/Laboratory Corporation of America, LabCorp
Classification: Uncertain significance. Last evaluated: 2024-07-01. Review status: criteria provided, single submitter. Criteria: LabCorp Variant Classification Summary - May 2015. Collection method: clinical testing. Allele origin: germline.
Comment: Variant summary: PKP2 c.1469G>A (p.Arg490Gln) results in a conservative amino acid change in the encoded protein sequence. Five of five in-silico tools predict a benign effect of the variant on protein function. The variant allele was found at a frequency of 5.6e-05 in 230552 control chromosomes. This frequency is not significantly higher than estimated for a pathogenic variant in PKP2 causing Arrhythmogenic Right Ventricular Dysplasia/Cardiomyopathy (5.6e-05 vs 0.00065), allowing no conclusion about variant significance. c.1469G>A has been reported in the literature in individuals affected with Sudden Unexplained Death (Lin_2017). These report(s) do not provide unequivocal conclusions about association of the variant with Arrhythmogenic Right Ventricular Dysplasia/Cardiomyopathy. To our knowledge, no experimental evidence demonstrating an impact on protein function has been reported. The following publication have been ascertained in the context of this evaluation (PMID: 29247119). ClinVar contains an entry for this variant (Variation ID: 229143). Based on the evidence outlined above, the variant was classified as uncertain significance.

Color Diagnostics, LLC DBA Color Health
Classification: Uncertain significance for Cardiomyopathy. Last evaluated: 2024-05-06. Review status: criteria provided, single submitter. Criteria: ACMG Guidelines, 2015. Collection method: clinical testing. Allele origin: germline.
Comment: This missense variant replaces arginine with glutamine at codon 490 of the PKP2 protein. Computational prediction suggests that this variant may not impact protein structure and function (internally defined REVEL score threshold <= 0.5, PMID: 27666373). To our knowledge, functional studies have not been performed for this variant. This variant has been reported in a sudden unexplained deaths cohort (PMID: 29247119). This variant has been identified in 16/261928 chromosomes in the general population by the Genome Aggregation Database (gnomAD). The available evidence is insufficient to determine the role of this variant in disease conclusively. Therefore, this variant is classified as a Variant of Uncertain Significance.

Mayo Clinic Laboratories, Mayo Clinic
Classification: Uncertain significance. Last evaluated: 2023-12-05. Review status: criteria provided, single submitter. Criteria: ACMG Guidelines, 2015. Collection method: clinical testing. Allele origin: germline. Observed: 1 variant allele.
Comment: BP4

All of Us Research Program, National Institutes of Health
Classification: Uncertain significance for Arrhythmogenic right ventricular cardiomyopathy. Last evaluated: 2023-12-01. Review status: criteria provided, single submitter. Criteria: ACMG Guidelines, 2015. Collection method: clinical testing. Allele origin: germline. Inheritance: Autosomal dominant inheritance. Observed: 10 variant alleles, 10 heterozygotes.
Comment: This missense variant replaces arginine with glutamine at codon 490 of the PKP2 protein. Computational prediction suggests that this variant may not impact protein structure and function (internally defined REVEL score threshold <= 0.5, PMID: 27666373). To our knowledge, functional studies have not been performed for this variant. This variant has been reported in a sudden unexplained deaths cohort (PMID: 29247119). This variant has been identified in 16/261928 chromosomes in the general population by the Genome Aggregation Database (gnomAD). The available evidence is insufficient to determine the role of this variant in disease conclusively. Therefore, this variant is classified as a Variant of Uncertain Significance.

This study involves interpretation of variants in research participants for the purpose of population health screening. Participant phenotype was not available at the time of variant classification. Additional details can be found in publication PMID: 35346344, PMCID: PMC8962531

Fulgent Genetics
Classification: Uncertain significance for Arrhythmogenic right ventricular dysplasia 9. Last evaluated: 2021-12-05. Review status: criteria provided, single submitter. Criteria: ACMG Guidelines, 2015. Collection method: clinical testing. Allele origin: unknown.

Ambry Genetics
Classification: Likely benign for Cardiovascular phenotype. Last evaluated: 2020-12-14. Review status: criteria provided, single submitter. Criteria: Ambry Variant Classification Scheme 2023. Collection method: clinical testing. Allele origin: germline.

Revvity Omics, Revvity
Classification: Uncertain significance for Arrhythmogenic right ventricular dysplasia 9. Last evaluated: 2020-01-29. Review status: criteria provided, single submitter. Criteria: ACMG Guidelines, 2015. Collection method: clinical testing. Allele origin: germline.

Laboratory for Molecular Medicine, Mass General Brigham Personalized Medicine
Classification: Uncertain significance. Last evaluated: 2016-01-26. Review status: criteria provided, single submitter. Criteria: LMM Criteria. Collection method: clinical testing. Allele origin: germline. Observed: 1 variant allele.
Comment: The p.Arg490Gln variant in PKP2 has not been previously reported in individuals with cardiomyopathy, but has been identified in 4/13418 South Asian chromosomes and 2/6462 African chromosomes by the Exome Aggregation Consortium (ExAC; dbSNP rs369518480). Computational prediction tools and conservation analysis suggest that this variant may not impact the protein, tho ugh this information is not predictive enough to rule out pathogenicity. In summ ary, the clinical significance of the p.Arg490Gln variant is uncertain.

Breakthrough Genomics
Classification: Uncertain significance. Review status: criteria provided, single submitter. Criteria: ACMG Guidelines, 2015. Collection method: not provided. Allele origin: germline. Inheritance: Autosomal dominant inheritance. Affected: yes.

Literature cited by the submitters: PubMed 29247119 (cited by 6 submitters).